The following is an entry in ClinVar:

NM_020944.3(GBA2):c.451+1G>A

Gene: GBA2 (glucosylceramidase beta 2; minus strand). Cytogenetic location: 9p13.3.
Variant type: single nucleotide variant.
Coding change: c.451+1G>A on transcript NM_020944.3 (MANE Select); the canonical splice donor site of the intron after coding-DNA position 451, G replaced by A.
Molecular consequence: splice donor variant.
Genome position (GRCh38, 1-based): chr9:35,744,614, C>T on the plus strand (G>A on the coding strand, the complement: GBA2 is on the minus strand). VCF-style: chr9-35744614-C-T. GRCh37 (hg19) VCF-style: chr9-35744611-C-T.
Other names: c.451+1G>A (NM_001330660.2).
Identifiers: ClinVar variation 992263 (VCV000992263.1), dbSNP rs769002624, ClinGen allele CA5050725.

ClinVar aggregate classification (germline): Likely pathogenic (1 of 4 stars; one submission).

Conditions:
Hereditary spastic paraplegia 46. Also called: Spastic paraplegia 46, autosomal recessive. Identifiers: Orphanet 320391, MedGen C2828721, MONDO:0013737, OMIM 614409.

Allele frequency attached by ClinVar (database versions not stated): gnomAD exomes below 0.00001; ExAC 0.00001.
gnomAD v4.1: 1 of 1,578,070 alleles (0.000063%); highest among the groups gnomAD compares: African/African-American, 0.0013%; no homozygotes.

Submission:

Women's Health and Genetics/Laboratory Corporation of America, LabCorp
Classification: Likely pathogenic for Spastic paraplegia 46, autosomal recessive. Last evaluated: 2020-12-17. Review status: criteria provided, single submitter. Criteria: LabCorp Variant Classification Summary - May 2015. Collection method: clinical testing. Allele origin: germline.
Comment: Variant summary: GBA2 c.451+1G>A is located in a canonical splice-site and is predicted to affect mRNA splicing resulting in a significantly altered protein due to either exon skipping, shortening, or inclusion of intronic material. Several computational tools predict a significant impact on normal splicing: Four predict the variant abolishes a 5' splicing donor site. However, these predictions have yet to be confirmed by functional studies. The variant allele was found at a frequency of 4e-06 in 251436 control chromosomes (gnomAD). To our knowledge, no occurrence of c.451+1G>A in individuals affected with Spastic Paraplegia 46, Autosomal Recessive and no experimental evidence demonstrating its impact on protein function have been reported. No clinical diagnostic laboratories have submitted clinical-significance assessments for this variant to ClinVar after 2014. Other splice-site variants in GBA2 gene have been reported in online databases (HGMD) to be associated with disease. Based on the evidence outlined above, the variant was classified as likely pathogenic.